The following is an entry in ClinVar:

NM_004100.5(EYA4):c.116A>G (p.His39Arg)

Gene: EYA4 (EYA transcriptional coactivator and phosphatase 4; plus strand). Cytogenetic location: 6q23.2.
Variant type: single nucleotide variant.
Coding change: c.116A>G on transcript NM_004100.5 (MANE Select); coding-DNA position 116, A replaced by G.
Protein change: p.His39Arg; replaces histidine 39 with arginine.
Molecular consequence: missense variant.
Genome position (GRCh38, 1-based): chr6:133,446,662, A>G. VCF-style: chr6-133446662-A-G. GRCh37 (hg19) VCF-style: chr6-133767800-A-G.
Other names: c.116A>G (NM_004100.4); c.116A>G, p.His39Arg (NM_001301012.2, NM_001301013.2, NM_001370458.1 and 3 more transcripts); short protein forms H39R.
Identifiers: ClinVar variation 2850864 (VCV002850864.4), dbSNP rs1221439195, ClinGen allele CA365837975.

ClinVar aggregate classification (germline): Uncertain significance. Review status: criteria provided, multiple submitters, no conflicts (2 of 4 stars). 2 submissions from 2 submitters: Uncertain significance (2). Last evaluated 2025-07-22.

Conditions:
Cardiovascular phenotype. Identifiers: MedGen CN230736.
Dilated cardiomyopathy 1J (CMD1J). Also called: CARDIOMYOPATHY, DILATED, WITH SENSORINEURAL HEARING LOSS, AUTOSOMAL DOMINANT. Identifiers: Orphanet 217622, MedGen C1854368, MONDO:0011541, OMIM 605362.

Allele frequency attached by ClinVar (database versions not stated): gnomAD exomes below 0.00001; TOPMed below 0.00001; gnomAD 0.00001.
gnomAD v4.1: 3 of 1,613,680 alleles (0.00019%); highest among the groups gnomAD compares: African/African-American, 0.0027%; no homozygotes.

Submissions (2):

Ambry Genetics
Classification: Uncertain significance for Cardiovascular phenotype. Last evaluated: 2025-07-22. Review status: criteria provided, single submitter. Criteria: Ambry Variant Classification Scheme 2023. Collection method: clinical testing. Allele origin: germline.
Comment: The p.H39R variant (also known as c.116A>G), located in coding exon 3 of the EYA4 gene, results from an A to G substitution at nucleotide position 116. The histidine at codon 39 is replaced by arginine, an amino acid with highly similar properties. This amino acid position is conserved. In addition, the in silico prediction for this alteration is inconclusive. Based on the available evidence, the clinical significance of this variant remains unclear.

Labcorp Genetics (formerly Invitae), Labcorp
Classification: Uncertain significance for Dilated cardiomyopathy 1J. Last evaluated: 2023-03-30. Review status: criteria provided, single submitter. Criteria: Invitae Variant Classification Sherloc (09022015). Collection method: clinical testing. Allele origin: germline.
Comment: In summary, the available evidence is currently insufficient to determine the role of this variant in disease. Therefore, it has been classified as a Variant of Uncertain Significance. An algorithm developed to predict the effect of missense changes on protein structure and function (PolyPhen-2) suggests that this variant is likely to be disruptive. This variant has not been reported in the literature in individuals affected with EYA4-related conditions. This variant is not present in population databases (gnomAD no frequency). This sequence change replaces histidine, which is basic and polar, with arginine, which is basic and polar, at codon 39 of the EYA4 protein (p.His39Arg).